The following is an entry in ClinVar:

NM_001128205.2(SULF1):c.2012A>C (p.Lys671Thr)

Gene: SULF1 (sulfatase 1; plus strand). Cytogenetic location: 8q13.3.
Variant type: single nucleotide variant.
Coding change: c.2012A>C on transcript NM_001128205.2 (MANE Select); coding-DNA position 2012, A replaced by C.
Protein change: p.Lys671Thr; replaces lysine 671 with threonine.
Molecular consequence: missense variant. On other transcripts: non-coding transcript variant (7).
Genome position (GRCh38, 1-based): chr8:69,627,836, A>C. VCF-style: chr8-69627836-A-C. GRCh37 (hg19) VCF-style: chr8-70540071-A-C.
Other names: c.2012A>C, p.Lys671Thr (NM_001128204.2, NM_001128206.2, NM_001412828.1 and 10 more transcripts); c.1883A>C, p.Lys628Thr (NM_001412832.1, NM_001412838.1, NM_001412839.1 and 1 more transcripts); c.1955A>C, p.Lys652Thr (NM_001412836.1, NM_001412837.1); c.1826A>C, p.Lys609Thr (NM_001412841.1, NM_001412842.1); c.1412A>C, p.Lys471Thr (NM_001412844.1, NM_001412845.1); c.221A>C, p.Lys74Thr (NM_001412846.1); short protein forms K609T, K671T, K471T, K628T, K652T, K74T.
Identifiers: ClinVar variation 2706953 (VCV002706953.3), dbSNP rs2537373669, ClinGen allele CA371230438.

ClinVar aggregate classification (germline): Uncertain significance (1 of 4 stars; one submission).

Submission:

Labcorp Genetics (formerly Invitae), Labcorp
Classification: Uncertain significance. Last evaluated: 2023-06-09. Review status: criteria provided, single submitter. Criteria: Invitae Variant Classification Sherloc (09022015). Collection method: clinical testing. Allele origin: germline.
Comment: In summary, the available evidence is currently insufficient to determine the role of this variant in disease. Therefore, it has been classified as a Variant of Uncertain Significance. An algorithm developed to predict the effect of missense changes on protein structure and function (PolyPhen-2) suggests that this variant is likely to be disruptive. This variant has not been reported in the literature in individuals affected with SULF1-related conditions. This variant is not present in population databases (gnomAD no frequency). This sequence change replaces lysine, which is basic and polar, with threonine, which is neutral and polar, at codon 671 of the SULF1 protein (p.Lys671Thr).